The following is an entry in ClinVar:

ClinVar aggregate classification (germline): Uncertain significance (1 of 4 stars; one submission).

Allele frequency attached by ClinVar (database versions not stated): ExAC 0.00001; gnomAD 0.00001; gnomAD exomes 0.00001; TOPMed 0.00001.

Submission:

Labcorp Genetics (formerly Invitae), Labcorp
Classification: Uncertain significance. Last evaluated: 2021-01-19. Review status: criteria provided, single submitter. Criteria: Invitae Variant Classification Sherloc (09022015). Collection method: clinical testing. Allele origin: germline.
Comment: In summary, the available evidence is currently insufficient to determine the role of this variant in disease. Therefore, it has been classified as a Variant of Uncertain Significance. Algorithms developed to predict the effect of missense changes on protein structure and function are either unavailable or do not agree on the potential impact of this missense change (SIFT: "Deleterious"; PolyPhen-2: "Benign"; Align-GVGD: "Class C0"). This sequence change replaces glutamic acid with glutamine at codon 1118 of the POLA1 protein (p.Glu1118Gln). The glutamic acid residue is highly conserved and there is a small physicochemical difference between glutamic acid and glutamine. This variant is present in population databases (rs752743825, ExAC 0.002%). This variant has not been reported in the literature in individuals with POLA1-related conditions.

NM_001330360.2(POLA1):c.3370G>C (p.Glu1124Gln)

Gene: POLA1 (DNA polymerase alpha 1, catalytic subunit; plus strand). Cytogenetic location: Xp22.11.
Variant type: single nucleotide variant.
Coding change: c.3370G>C on transcript NM_001330360.2 (MANE Select); coding-DNA position 3370, G replaced by C.
Protein change: p.Glu1124Gln; replaces glutamic acid 1124 with glutamine.
Molecular consequence: missense variant. On other transcripts: non-coding transcript variant (2).
Genome position (GRCh38, 1-based): chrX:24,815,052, G>C. VCF-style: chrX-24815052-G-C. GRCh37 (hg19) VCF-style: chrX-24833169-G-C.
Other names: c.3295G>C, p.Glu1099Gln (NM_001378303.1); c.3352G>C, p.Glu1118Gln (NM_016937.4); short protein forms E1124Q, E1099Q, E1118Q.
Identifiers: ClinVar variation 1348658 (VCV001348658.8), dbSNP rs752743825, ClinGen allele CA10373540.